The following is an entry in ClinVar:

ClinVar aggregate classification (germline): Benign/Likely benign. Review status: criteria provided, multiple submitters, no conflicts (2 of 4 stars). 6 submissions from 6 submitters: Benign (4); Likely benign (2). Last evaluated 2026-03-01.

Conditions:
Connective tissue disorder. Also called: Connective tissue disease. Identifiers: MedGen C0009782, MONDO:0003900.

Allele frequency attached by ClinVar (database versions not stated): gnomAD exomes 0.00085; ExAC 0.00096; 1000 Genomes Project 0.00220; 1000 Genomes Project 30x 0.00265; gnomAD 0.00330 and 0.00357; TOPMed 0.00378; ESP Exome Variant Server 0.00423.

Submissions (6):

CeGaT Center for Human Genetics Tuebingen
Classification: Likely benign. Last evaluated: 2026-03-01. Review status: criteria provided, single submitter. Criteria: CeGaT Center For Human Genetics Tuebingen Variant Classification Criteria Version 2. Collection method: clinical testing. Allele origin: germline. Affected: yes. Observed: 1 variant allele.
Comment: COL2A1: BP4, BP7, BS1

Labcorp Genetics (formerly Invitae), Labcorp
Classification: Benign. Last evaluated: 2026-02-02. Review status: criteria provided, single submitter. Criteria: Invitae Variant Classification Sherloc (09022015). Collection method: clinical testing. Allele origin: germline.

ARUP Laboratories, Molecular Genetics and Genomics, ARUP Laboratories
Classification: Benign. Last evaluated: 2024-12-05. Review status: criteria provided, single submitter. Criteria: ARUP Molecular Germline Variant Investigation Process 2024. Collection method: clinical testing. Allele origin: germline.

Blueprint Genetics
Classification: Likely benign. Last evaluated: 2024-11-06. Review status: criteria provided, single submitter. Criteria: ACMG Guidelines, 2015. Collection method: clinical testing. Allele origin: germline.

Genome Diagnostics Laboratory, The Hospital for Sick Children
Classification: Benign for Connective tissue disorder. Last evaluated: 2021-11-01. Review status: criteria provided, single submitter. Criteria: ACMG Guidelines, 2015. Collection method: clinical testing. Allele origin: germline.

GeneDx
Classification: Benign. Last evaluated: 2017-12-06. Review status: criteria provided, single submitter. Criteria: GeneDx Variant Classification (06012015). Collection method: clinical testing. Allele origin: germline. Affected: yes.
Comment: This variant is considered likely benign or benign based on one or more of the following criteria: it is a conservative change, it occurs at a poorly conserved position in the protein, it is predicted to be benign by multiple in silico algorithms, and/or has population frequency not consistent with disease.

NM_001844.5(COL2A1):c.4449G>A (p.Pro1483=)

Gene: COL2A1 (collagen type II alpha 1 chain; minus strand). Cytogenetic location: 12q13.11.
Variant type: single nucleotide variant.
Coding change: c.4449G>A on transcript NM_001844.5 (MANE Select); coding-DNA position 4449, G replaced by A.
Protein change: p.Pro1483=; no amino-acid change (proline 1483 retained).
Molecular consequence: synonymous variant.
Genome position (GRCh38, 1-based): chr12:47,973,422, C>T on the plus strand (G>A on the coding strand, the complement: COL2A1 is on the minus strand). VCF-style: chr12-47973422-C-T. GRCh37 (hg19) VCF-style: chr12-48367205-C-T.
Other names: c.4242G>A, p.Pro1414= (NM_033150.3).
Identifiers: ClinVar variation 516233 (VCV000516233.29), dbSNP rs41272771, ClinGen allele CA6534450.
Genomic context (GRCh38, chr12:47,973,422, plus strand): 5'-TCCTTTGGGTTTGCAACGGATTGTGTTGTTTCTGGGTTCAGGTTTTTACAAGAAGCAGAC[C>T]GGCCCTATGTCCACACCGAATTCCTGCTCGGGCCCTCCTATGTCCATGGGTGCAATGTCA-3'
Protein context (NP_001835.3, residues 1473-1487): PEQEFGVDIG[Pro1483=]VCFL